The following is an entry in ClinVar:

ClinVar aggregate classification (germline): Uncertain significance. Review status: criteria provided, multiple submitters, no conflicts (2 of 4 stars). 3 submissions from 3 submitters: Uncertain significance (3). Last evaluated 2025-01-22.

Conditions:
Developmental and epileptic encephalopathy, 11 (DEE11). Also called: Early infantile epileptic encephalopathy 11. Identifiers: Orphanet 1934, MedGen C3150987, MONDO:0013388, OMIM 613721.
Seizures, benign familial infantile, 3 (BFIS3). Also called: CONVULSIONS, BENIGN FAMILIAL INFANTILE, 3; Familial neonatal seizures. Identifiers: Orphanet 140927, Orphanet 306, MedGen C1843140, MONDO:0011904, OMIM 607745.

gnomAD v4.1: 4 of 1,613,810 alleles (0.00025%); highest among the groups gnomAD compares: Non-Finnish European, 0.00034%; no homozygotes.

Submissions (3):

GeneDx
Classification: Uncertain significance. Last evaluated: 2025-01-22. Review status: criteria provided, single submitter. Criteria: GeneDx Variant Classification Process June 2021. Collection method: clinical testing. Allele origin: germline. Affected: yes.
Comment: Not observed at significant frequency in large population cohorts (gnomAD); In silico analysis indicates that this missense variant does not alter protein structure/function; Has not been previously published as pathogenic or benign to our knowledge; This substitution is predicted to be in the cytoplasmic loop between the first and second homologous domains

Athena Diagnostics
Classification: Uncertain significance. Last evaluated: 2023-04-26. Review status: criteria provided, single submitter. Criteria: Athena Diagnostics Criteria. Collection method: clinical testing. Allele origin: unknown.
Comment: Available data are insufficient to determine the clinical significance of the variant at this time. This variant has not been reported in large, multi-ethnic general populations. Computational tools predict that this variant is damaging.

Labcorp Genetics (formerly Invitae), Labcorp
Classification: Uncertain significance for Seizures, benign familial infantile, 3; Developmental and epileptic encephalopathy, 11. Last evaluated: 2023-01-20. Review status: criteria provided, single submitter. Criteria: Invitae Variant Classification Sherloc (09022015). Collection method: clinical testing. Allele origin: germline.
Comment: In summary, the available evidence is currently insufficient to determine the role of this variant in disease. Therefore, it has been classified as a Variant of Uncertain Significance. Advanced modeling of protein sequence and biophysical properties (such as structural, functional, and spatial information, amino acid conservation, physicochemical variation, residue mobility, and thermodynamic stability) performed at Invitae indicates that this missense variant is not expected to disrupt SCN2A protein function. ClinVar contains an entry for this variant (Variation ID: 1189689). This variant has not been reported in the literature in individuals affected with SCN2A-related conditions. This variant is not present in population databases (gnomAD no frequency). This sequence change replaces threonine, which is neutral and polar, with isoleucine, which is neutral and non-polar, at codon 678 of the SCN2A protein (p.Thr678Ile).

NM_001040142.2(SCN2A):c.2033C>T (p.Thr678Ile)

Gene: SCN2A (sodium voltage-gated channel alpha subunit 2; plus strand). Cytogenetic location: 2q24.3.
Variant type: single nucleotide variant.
Coding change: c.2033C>T on transcript NM_001040142.2 (MANE Select); coding-DNA position 2033, C replaced by T.
Protein change: p.Thr678Ile; replaces threonine 678 with isoleucine.
Molecular consequence: missense variant.
Genome position (GRCh38, 1-based): chr2:165,326,868, C>T. VCF-style: chr2-165326868-C-T. GRCh37 (hg19) VCF-style: chr2-166183378-C-T.
Other names: c.2033C>T, p.Thr678Ile (NM_001040143.2, NM_001371246.1, NM_001371247.1 and 1 more transcripts); short protein forms T678I.
Identifiers: ClinVar variation 1189689 (VCV001189689.7), dbSNP rs1446046264, ClinGen allele CA349029033.